The following is an entry in ClinVar:

ClinVar aggregate classification (germline): Uncertain significance (1 of 4 stars; one submission).

Submission:

Labcorp Genetics (formerly Invitae), Labcorp
Classification: Uncertain significance. Last evaluated: 2025-09-20. Review status: criteria provided, single submitter. Criteria: Invitae Variant Classification Sherloc (09022015). Collection method: clinical testing. Allele origin: germline.
Comment: This sequence change replaces arginine, which is basic and polar, with cysteine, which is neutral and slightly polar, at codon 144 of the TACSTD2 protein (p.Arg144Cys). The frequency data for this variant in the population databases is considered unreliable, as metrics indicate poor data quality at this position in the gnomAD database. This variant has not been reported in the literature in individuals affected with TACSTD2-related conditions. Invitae Evidence Modeling of protein sequence and biophysical properties (such as structural, functional, and spatial information, amino acid conservation, physicochemical variation, residue mobility, and thermodynamic stability) indicates that this missense variant is not expected to disrupt TACSTD2 protein function with a negative predictive value of 80%. In summary, the available evidence is currently insufficient to determine the role of this variant in disease. Therefore, it has been classified as a Variant of Uncertain Significance.

NM_002353.3(TACSTD2):c.430C>T (p.Arg144Cys)

Gene: TACSTD2 (tumor associated calcium signal transducer 2; minus strand). Cytogenetic location: 1p32.1.
Variant type: single nucleotide variant.
Coding change: c.430C>T on transcript NM_002353.3 (MANE Select); coding-DNA position 430, C replaced by T.
Protein change: p.Arg144Cys; replaces arginine 144 with cysteine.
Molecular consequence: missense variant.
Genome position (GRCh38, 1-based): chr1:58,576,727, G>A on the plus strand (C>T on the coding strand, the complement: TACSTD2 is on the minus strand). VCF-style: chr1-58576727-G-A. GRCh37 (hg19) VCF-style: chr1-59042399-G-A.
Other names: short protein forms R144C.
Identifiers: ClinVar variation 4763750 (VCV004763750.1).
Genomic context (GRCh38, chr1:58,576,727, plus strand): 5'-CGGTGGGGCGGTGGCGCAGGTCAATGAGGATGTGGTGGGTGCGCACCAGCTCATCGCAGC[G>A]TAGGCTCAGGTCGCCCTTGTCCGTGCGGCGCACGCCCACCGAGTTCACGCACCAGCACAC-3'
Protein context (NP_002344.2, residues 134-154): RRTDKGDLSL[Arg144Cys]CDELVRTHHI